The following is an entry in ClinVar:

ClinVar aggregate classification (germline): Likely pathogenic (1 of 4 stars; one submission).

gnomAD v4.1: 1 of 1,544,992 alleles (0.000065%); highest among the groups gnomAD compares: Non-Finnish European, 0.000087%; no homozygotes.

Submission:

Mayo Clinic Laboratories, Mayo Clinic
Classification: Likely pathogenic. Last evaluated: 2023-11-08. Review status: criteria provided, single submitter. Criteria: ACMG Guidelines, 2015. Collection method: clinical testing. Allele origin: germline. Observed: 1 variant allele.
Comment: PM2_moderate, PVS1

NM_001163809.2(WDR81):c.1154G>A (p.Trp385Ter)

Gene: WDR81 (WD repeat domain 81; plus strand). Cytogenetic location: 17p13.3.
Variant type: single nucleotide variant.
Coding change: c.1154G>A on transcript NM_001163809.2 (MANE Select); coding-DNA position 1154, G replaced by A.
Protein change: p.Trp385Ter; replaces tryptophan 385 with a stop codon.
Molecular consequence: nonsense. On other transcripts: intron variant (3).
Genome position (GRCh38, 1-based): chr17:1,726,113, G>A. VCF-style: chr17-1726113-G-A. GRCh37 (hg19) VCF-style: chr17-1629407-G-A.
Other names: p.Trp385*; c.-123-1877G>A (NM_152348.4); c.59-4267G>A (NM_001163673.2); c.-15+1327G>A (NM_001163811.2); short protein forms W385*.
Identifiers: ClinVar variation 3381151 (VCV003381151.1).